The following is an entry in ClinVar:

ClinVar aggregate classification (germline): Uncertain significance. Review status: criteria provided, multiple submitters, no conflicts (2 of 4 stars). 3 submissions from 3 submitters: Uncertain significance (3). Last evaluated 2024-03-31.

Conditions:
Inborn genetic diseases. Identifiers: MedGen C0950123, MeSH D030342.
Van Maldergem syndrome 2 (VMLDS2). Identifiers: Orphanet 314679, MedGen C3809875, MONDO:0014242, OMIM 615546.
Hennekam lymphangiectasia-lymphedema syndrome 2 (HKLLS2). Identifiers: Orphanet 2136, MedGen C4014939, MONDO:0014454, OMIM 616006.

Allele frequency attached by ClinVar (database versions not stated): TOPMed below 0.00001; gnomAD 0.00001; gnomAD exomes 0.00001.
gnomAD v4.1: 16 of 1,613,912 alleles (0.00099%); highest among the groups gnomAD compares: Non-Finnish European, 0.0013%; no homozygotes.

Submissions (3):

Fulgent Genetics
Classification: Uncertain significance for Van Maldergem syndrome 2; Hennekam lymphangiectasia-lymphedema syndrome 2. Last evaluated: 2024-03-31. Review status: criteria provided, single submitter. Criteria: ACMG Guidelines, 2015. Collection method: clinical testing. Allele origin: germline.

Ambry Genetics
Classification: Uncertain significance for Inborn genetic diseases. Last evaluated: 2024-03-11. Review status: criteria provided, single submitter. Criteria: Ambry Variant Classification Scheme 2023. Collection method: clinical testing. Allele origin: germline.

Labcorp Genetics (formerly Invitae), Labcorp
Classification: Uncertain significance. Last evaluated: 2022-04-10. Review status: criteria provided, single submitter. Criteria: Invitae Variant Classification Sherloc (09022015). Collection method: clinical testing. Allele origin: germline.
Comment: This sequence change replaces serine, which is neutral and polar, with arginine, which is basic and polar, at codon 2717 of the FAT4 protein (p.Ser2717Arg). This variant is present in population databases (no rsID available, gnomAD 0.004%). This variant has not been reported in the literature in individuals affected with FAT4-related conditions. Advanced modeling of protein sequence and biophysical properties (such as structural, functional, and spatial information, amino acid conservation, physicochemical variation, residue mobility, and thermodynamic stability) performed at Invitae indicates that this missense variant is not expected to disrupt FAT4 protein function. In summary, the available evidence is currently insufficient to determine the role of this variant in disease. Therefore, it has been classified as a Variant of Uncertain Significance.

NM_001291303.3(FAT4):c.8155A>C (p.Ser2719Arg)

Gene: FAT4 (FAT atypical cadherin 4; plus strand). Cytogenetic location: 4q28.1.
Variant type: single nucleotide variant.
Coding change: c.8155A>C on transcript NM_001291303.3 (MANE Select); coding-DNA position 8155, A replaced by C.
Protein change: p.Ser2719Arg; replaces serine 2719 with arginine.
Molecular consequence: missense variant.
Genome position (GRCh38, 1-based): chr4:125,449,165, A>C. VCF-style: chr4-125449165-A-C. GRCh37 (hg19) VCF-style: chr4-126370320-A-C.
Other names: c.8155A>C, p.Ser2719Arg (NM_001291285.3); c.8149A>C, p.Ser2717Arg (NM_024582.6); c.8149A>C (NM_024582.4, NM_024582.5); short protein forms S2717R, S2719R.
Identifiers: ClinVar variation 2084297 (VCV002084297.3), dbSNP rs1384916066, ClinGen allele CA358145303.